The following is an entry in ClinVar:

ClinVar aggregate classification (germline): Benign. Review status: criteria provided, single submitter (1 of 4 stars). 2 submissions from 2 submitters: Benign (1). 1 of the submissions does not count toward it. Last evaluated 2019-12-31.

Conditions:
PTPRS-related disorder. Also called: PTPRS-related condition.

Allele frequency attached by ClinVar (database versions not stated): gnomAD 0.00070 and 0.00090; TOPMed 0.00088; ESP Exome Variant Server 0.00123; gnomAD exomes 0.00135 and 0.00153; 1000 Genomes Project 30x 0.00141; ExAC 0.00154; 1000 Genomes Project 0.00160.
gnomAD v4.1: 2,360 of 1,610,476 alleles (0.15%); highest among the groups gnomAD compares: South Asian, 0.59%; 10 homozygotes.

Submissions (2):

Labcorp Genetics (formerly Invitae), Labcorp
Classification: Benign. Last evaluated: 2019-12-31. Review status: criteria provided, single submitter. Criteria: Invitae Variant Classification Sherloc (09022015). Collection method: clinical testing. Allele origin: germline.

PreventionGenetics, part of Exact Sciences
Classification: Likely benign for PTPRS-related condition. Last evaluated: 2020-01-13. Review status: no assertion criteria provided. Collection method: clinical testing. Allele origin: germline. Not counted in ClinVar's aggregate classification.
Comment: This variant is classified as likely benign based on ACMG/AMP sequence variant interpretation guidelines (Richards et al. 2015 PMID: 25741868, with internal and published modifications).

NM_002850.4(PTPRS):c.2377-10G>A

Gene: PTPRS (protein tyrosine phosphatase receptor type S; minus strand). Cytogenetic location: 19p13.3.
Variant type: single nucleotide variant.
Coding change: c.2377-10G>A on transcript NM_002850.4 (MANE Select); 10 bases into the intron before coding-DNA position 2377, G replaced by A.
Molecular consequence: intron variant.
Genome position (GRCh38, 1-based): chr19:5,225,854, C>T on the plus strand (G>A on the coding strand, the complement: PTPRS is on the minus strand). VCF-style: chr19-5225854-C-T. GRCh37 (hg19) VCF-style: chr19-5225865-C-T.
Other names: c.1811-3634G>A (NM_130853.3); c.2311-10G>A (NM_130854.3); c.1823-3634G>A (NM_130855.3).
Identifiers: ClinVar variation 728380 (VCV000728380.6), dbSNP rs201450045, ClinGen allele CA9109973.